The following is an entry in ClinVar:

NM_004444.5(EPHB4):c.27_33dup (p.Leu12fs)

Genes: EPHB4 (EPH receptor B4; minus strand), SLC12A9 (solute carrier family 12 member 9; plus strand). Cytogenetic location: 7q22.1.
Variant type: Duplication.
Coding change: c.27_33dup on transcript NM_004444.5 (MANE Select); coding-DNA positions 27 to 33, 7 bases duplicated (GGCTTCG; older notation c.27_33dupGGCTTCG).
Protein change: p.Leu12fs; shifts the reading frame from leucine 12.
Molecular consequence: frameshift variant. On other transcripts: 5 prime UTR variant (1).
Genome position (GRCh38, 1-based): chr7:100,826,998-100,827,004, CGAAGCC duplicated on the plus strand (GGCTTCG on the coding strand, the reverse complement: EPHB4 is on the minus strand); duplicating any 7 consecutive bases within chr7:100,826,998-100,827,005 gives the same sequence; the c. name uses the placement nearest the transcript's 3' end. VCF-style (leftmost placement, unchanged base first): chr7-100826997-A-ACGAAGCC. GRCh37 (hg19) VCF-style: chr7-100424619-A-ACGAAGCC.
Other names: c.-30_-24dup (NM_001363494.1); short protein forms L12fs.
Identifiers: ClinVar variation 3774492 (VCV003774492.1).
Genomic context (GRCh38, chr7:100,826,997, plus strand): 5'-CCAGGAGTGACGGGGTGCGCCCCCCCCCGCAAGGAAACTCACCTTCCAAAGCTGCGGCCA[A>ACGAAGCC]CGAAGCCCAGCAGAGCAGCACCCGGAGCTCCATGGCGCCGCCTCACTCGGGTAGGATCCG-3'

ClinVar aggregate classification (germline): Pathogenic (1 of 4 stars; one submission).

Conditions:
Lymphatic malformation 7 (LMPHM7). Also called: Hydrops fetalis, nonimmune, and/or atrial septal defect, susceptibility to. Identifiers: MedGen C4310629, MONDO:0015009, OMIM 617300.
Capillary malformation-arteriovenous malformation 2 (CMAVM2). Identifiers: Orphanet 693912, MedGen C4748670, MONDO:0020785, OMIM 618196.

Submission:

Clinical Genomics Laboratory, Washington University in St. Louis
Classification: Pathogenic for Lymphatic malformation 7; Capillary malformation-arteriovenous malformation 2. Last evaluated: 2024-12-27. Review status: criteria provided, single submitter. Criteria: Leon-Quintero et al. (Clin Genet. 2025). Collection method: clinical testing. Allele origin: somatic. Affected: yes.
Comment: The EPHB4 c.27_33dup (p.Leu12Glyfs*20) variant was identified at an allelic fraction consistent with somatic origin. This variant, to our knowledge, has not been reported int the medical literature, however, several other frameshift variants in EPHB4, including one at this same codon (p.L12Wfs*10) have been reported in affected individuals and are considered pathogenic (Amyere M et al., PMID: 28687708). This variant is absent from the general population (gnomAD v.4.1.0), indicating it is not a common variant. The EPHB4 c.27_33dup (p.Leu12Glyfs*20) variant causes a frameshift by duplicating seven nucleotides, leading to a premature termination codon, which is predicted to lead to nonsense mediated decay. Based on available information and an internally developed protocol informed by the ACMG/AMP guidelines for variant interpretation (Leon-Quintero FZ et al., PMID: 39434542), the EPHB4 c.27_33dup (p.Leu12Glyfs*20) variant is classified as pathogenic.